The following is an entry in ClinVar:

ClinVar aggregate classification (germline): Uncertain significance (1 of 4 stars; one submission).

Submission:

Dasa
Classification: Uncertain significance. Last evaluated: 2026-01-03. Review status: criteria provided, single submitter. Criteria: DASA Assertion Criteria. Collection method: clinical testing. Allele origin: germline.
Comment: NM_001289125.3(IFNAR2):c.1145A>G (p.Lys382Arg) is a missense variant that results in the substitution of lysine with arginine. This variant is rare in population databases. Computational prediction algorithms are consistent with a benign effect. The currently available literature and clinical evidence are not sufficient to establish a definitive association between this variant and the reported condition. Therefore, this variant is classified as a variant of uncertain significance.

NM_001289125.3(IFNAR2):c.1145A>G (p.Lys382Arg)

Genes: IFNAR2 (interferon alpha and beta receptor subunit 2; plus strand), IFNAR2-IL10RB (IFNAR2-IL10RB readthrough; plus strand). Cytogenetic location: 21q22.11.
Variant type: single nucleotide variant.
Coding change: c.1145A>G on transcript NM_001289125.3 (MANE Select); coding-DNA position 1145, A replaced by G.
Protein change: p.Lys382Arg; replaces lysine 382 with arginine.
Molecular consequence: missense variant. On other transcripts: 3 prime UTR variant (5), intron variant (1).
Genome position (GRCh38, 1-based): chr21:33,263,097, A>G. VCF-style: chr21-33263097-A-G. GRCh37 (hg19) VCF-style: chr21-34635402-A-G.
Other names: c.1145A>G, p.Lys382Arg (NM_001385055.1, NM_207585.3); c.*381A>G (NM_207584.3, NM_000874.5); c.710-5297A>G (NM_001414505.1); c.*294A>G (NM_001289126.2, NM_001289128.2); c.*520A>G (NM_001385054.1); short protein forms K382R.
Identifiers: ClinVar variation 4883753 (VCV004883753.2).